The following is an entry in ClinVar:

NM_004408.4(DNM1):c.1028G>T (p.Arg343Leu)

Gene: DNM1 (dynamin 1; plus strand). Cytogenetic location: 9q34.11.
Variant type: single nucleotide variant.
Coding change: c.1028G>T on transcript NM_004408.4 (MANE Select); coding-DNA position 1028, G replaced by T.
Protein change: p.Arg343Leu; replaces arginine 343 with leucine.
Molecular consequence: missense variant.
Genome position (GRCh38, 1-based): chr9:128,222,496, G>T. VCF-style: chr9-128222496-G-T. GRCh37 (hg19) VCF-style: chr9-130984775-G-T.
Other names: c.1028G>T, p.Arg343Leu (NM_001005336.3, NM_001288737.2, NM_001288738.2 and 2 more transcripts); short protein forms R343L.
Identifiers: ClinVar variation 1770174 (VCV001770174.2), dbSNP rs1181319175, ClinGen allele CA375015986.
Genomic context (GRCh38, chr9:128,222,496, plus strand): 5'-TCAGGCCACACCACTCTCCCACCAGGATGGTCCAGCAGTTCGCCGTAGACTTTGAGAAGC[G>T]CATTGAGGGCTCAGGAGATCAGATCGACACCTACGAACTGTCAGGGGGAGCCCGCATTAA-3'
Protein context (NP_004399.2, residues 333-353): VQQFAVDFEK[Arg343Leu]IEGSGDQIDT

ClinVar aggregate classification (germline): Uncertain significance (1 of 4 stars; one submission).

Conditions:
Inborn genetic diseases. Identifiers: MedGen C0950123, MeSH D030342.

gnomAD v4.1: 2 of 1,614,158 alleles (0.00012%); highest among the groups gnomAD compares: Non-Finnish European, 0.000085%; no homozygotes.

Submission:

Ambry Genetics
Classification: Uncertain significance for Inborn genetic diseases. Last evaluated: 2017-11-01. Review status: criteria provided, single submitter. Criteria: Ambry Variant Classification Scheme 2023. Collection method: clinical testing. Allele origin: germline.
Comment: The p.R343L variant (also known as c.1028G>T), located in coding exon 8 of the DNM1 gene, results from a G to T substitution at nucleotide position 1028. The arginine at codon 343 is replaced by leucine, an amino acid with dissimilar properties. This amino acid position is well conserved in available vertebrate species. In addition, the in silico prediction for this alteration is inconclusive. Since supporting evidence is limited at this time, the clinical significance of this alteration remains unclear.